The following is an entry in ClinVar:

ClinVar aggregate classification (germline): Uncertain significance (1 of 4 stars; one submission).

Conditions:
FGFR2-related craniosynostosis. Identifiers: MedGen CN231480.

Allele frequency attached by ClinVar (database versions not stated): gnomAD exomes 0.00001; ExAC 0.00002; ESP Exome Variant Server 0.00008; gnomAD 0.00011; TOPMed 0.00011; 1000 Genomes Project 30x 0.00047; 1000 Genomes Project 0.00060.
gnomAD v4.1: 36 of 1,614,024 alleles (0.0022%); highest among the groups gnomAD compares: African/African-American, 0.048%; no homozygotes.

Submission:

Labcorp Genetics (formerly Invitae), Labcorp
Classification: Uncertain significance for FGFR2-related craniosynostosis. Last evaluated: 2024-02-16. Review status: criteria provided, single submitter. Criteria: Invitae Variant Classification Sherloc (09022015). Collection method: clinical testing. Allele origin: germline.
Comment: This sequence change falls in intron 8 of the FGFR2 gene. It does not directly change the encoded amino acid sequence of the FGFR2 protein. It affects a nucleotide within the consensus splice site. This variant is present in population databases (rs193144964, gnomAD 0.04%). This variant has not been reported in the literature in individuals affected with FGFR2-related conditions. Variants that disrupt the consensus splice site are a relatively common cause of aberrant splicing (PMID: 17576681, 9536098). Algorithms developed to predict the effect of sequence changes on RNA splicing suggest that this variant is not likely to affect RNA splicing. In summary, the available evidence is currently insufficient to determine the role of this variant in disease. Therefore, it has been classified as a Variant of Uncertain Significance.

Literature cited by the submitters: PubMed 17576681; PubMed 9536098.

NM_000141.5(FGFR2):c.1085-3T>C

Gene: FGFR2 (fibroblast growth factor receptor 2; minus strand). Cytogenetic location: 10q26.13.
Variant type: single nucleotide variant.
Coding change: c.1085-3T>C on transcript NM_000141.5 (MANE Select); 3 bases into the intron before coding-DNA position 1085, T replaced by C.
Molecular consequence: intron variant.
Genome position (GRCh38, 1-based): chr10:121,515,322, A>G on the plus strand (T>C on the coding strand, the complement: FGFR2 is on the minus strand). VCF-style: chr10-121515322-A-G. GRCh37 (hg19) VCF-style: chr10-123274836-A-G.
Other names: c.749-3T>C (NM_001144914.1); c.740-3T>C (NM_001144918.2, NM_001441091.1, NM_001441090.1 and 1 more transcripts); c.818-3T>C (NM_001441089.1, NM_023029.3, NM_001144915.2); c.821-3T>C (NM_001441088.1, NM_001144919.2); c.939+4657T>C (NM_001144917.2); c.1085-3T>C (NM_001320658.2); c.1088-3T>C (NM_001441087.1, NM_022970.4, NM_001144913.1); c.401-3T>C (NM_001320654.2).
Identifiers: ClinVar variation 2783780 (VCV002783780.3), dbSNP rs193144964, ClinGen allele CA5720843.